The following is an entry in ClinVar:

NM_014915.3(ANKRD26):c.2453G>A (p.Arg818Lys)

Gene: ANKRD26 (ankyrin repeat domain 26; minus strand). Cytogenetic location: 10p12.1.
Variant type: single nucleotide variant.
Coding change: c.2453G>A on transcript NM_014915.3 (MANE Select); coding-DNA position 2453, G replaced by A.
Protein change: p.Arg818Lys; replaces arginine 818 with lysine.
Molecular consequence: missense variant.
Genome position (GRCh38, 1-based): chr10:27,037,977, C>T on the plus strand (G>A on the coding strand, the complement: ANKRD26 is on the minus strand). VCF-style: chr10-27037977-C-T. GRCh37 (hg19) VCF-style: chr10-27326906-C-T.
Other names: c.2450G>A, p.Arg817Lys (NM_001256053.2); short protein forms R817K, R818K.
Identifiers: ClinVar variation 4859833 (VCV004859833.1).
Genomic context (GRCh38, chr10:27,037,977, plus strand): 5'-TGGAGACTCAGTTCAAGCTGTTGTTTCACTTCAACTTCTTTCCTATATTGCTCTTCTTTT[C>T]TTCTTAACTGTTCCCTAATTTTTTCATACAACGTATCAGCATTTCTTCTCTTCTCTTCTT-3'
Protein context (NP_055730.2, residues 808-828): LYEKIREQLR[Arg818Lys]KEEQYRKEVE

ClinVar aggregate classification (germline): Uncertain significance (1 of 4 stars; one submission).

Conditions:
Inborn genetic diseases. Identifiers: MedGen C0950123, MeSH D030342.

Submission:

Ambry Genetics
Classification: Uncertain significance for Inborn genetic diseases. Last evaluated: 2026-05-14. Review status: criteria provided, single submitter. Criteria: Ambry Variant Classification Scheme 2023. Collection method: clinical testing. Allele origin: germline.
Comment: The p.R818K variant (also known as c.2453G>A), located in coding exon 22 of the ANKRD26 gene, results from a G to A substitution at nucleotide position 2453. The arginine at codon 818 is replaced by lysine, an amino acid with highly similar properties. This amino acid position is conserved. In addition, this alteration is predicted to be tolerated by in silico analysis. Based on the available evidence, the clinical significance of this variant remains unclear.